The following is an entry in ClinVar:

NM_015192.4(PLCB1):c.499G>A (p.Gly167Arg)

Gene: PLCB1 (phospholipase C beta 1; plus strand). Cytogenetic location: 20p12.3.
Variant type: single nucleotide variant.
Coding change: c.499G>A on transcript NM_015192.4 (MANE Select); coding-DNA position 499, G replaced by A.
Protein change: p.Gly167Arg; replaces glycine 167 with arginine.
Molecular consequence: missense variant.
Genome position (GRCh38, 1-based): chr20:8,647,934, G>A. VCF-style: chr20-8647934-G-A. GRCh37 (hg19) VCF-style: chr20-8628581-G-A.
Other names: c.499G>A, p.Gly167Arg (NM_182734.3); short protein forms G167R.
Identifiers: ClinVar variation 570654 (VCV000570654.10), dbSNP rs749130736, ClinGen allele CA9759708.

ClinVar aggregate classification (germline): Uncertain significance (1 of 4 stars; one submission).

Conditions:
Developmental and epileptic encephalopathy, 12 (DEE12). Identifiers: MedGen C3150988, MONDO:0013389, OMIM 613722.

Allele frequency attached by ClinVar (database versions not stated): ExAC 0.00002; gnomAD 0.00003; gnomAD exomes 0.00003; TOPMed 0.00003.
gnomAD v4.1: 42 of 1,575,508 alleles (0.0027%); highest among the groups gnomAD compares: African/African-American, 0.0097%; 1 homozygote.

Submission:

Labcorp Genetics (formerly Invitae), Labcorp
Classification: Uncertain significance for Developmental and epileptic encephalopathy, 12. Last evaluated: 2023-11-28. Review status: criteria provided, single submitter. Criteria: Invitae Variant Classification Sherloc (09022015). Collection method: clinical testing. Allele origin: germline.
Comment: This sequence change replaces glycine, which is neutral and non-polar, with arginine, which is basic and polar, at codon 167 of the PLCB1 protein (p.Gly167Arg). This variant is present in population databases (rs749130736, gnomAD 0.01%), including at least one homozygous and/or hemizygous individual. This variant has not been reported in the literature in individuals affected with PLCB1-related conditions. ClinVar contains an entry for this variant (Variation ID: 570654). Advanced modeling of protein sequence and biophysical properties (such as structural, functional, and spatial information, amino acid conservation, physicochemical variation, residue mobility, and thermodynamic stability) performed at Invitae indicates that this missense variant is not expected to disrupt PLCB1 protein function with a negative predictive value of 80%. In summary, the available evidence is currently insufficient to determine the role of this variant in disease. Therefore, it has been classified as a Variant of Uncertain Significance.